The following is an entry in ClinVar:

ClinVar aggregate classification (germline): Likely pathogenic (0 of 4 stars; one submission).

Submission:

Quest Diagnostics Nichols Institute San Juan Capistrano
Classification: Likely pathogenic. Last evaluated: 2021-06-01. Review status: no assertion criteria provided. Collection method: clinical testing. Allele origin: germline.
Comment: The copy number gain of Xq13.2q13.3 involves multiple protein-coding genes including RLIM (OMIM 300379), NEXMIF (OMIM 300379), SLC16A2 (OMIM 300095), and ABCB7 (OMIM 300135). Duplications of this locus have been reported in patients with a common phenotype including facial dysmorphism, intellectual disability, distinctive behavioral features, and seizures (Mehvari et al., Mol Genet Genomic Med. 2020 Oct;8(10):e1418. PMID: 32715656; Palmer et al., Am J Hum Genet. 2020 Dec 3;107(6):1157-1169. PMID: 33159883; Charzewska et al., Clin Genet. 2015 Sep;88(3):297-9. PMID: 25394356). Palmer et al. analyzed multiple families with Xq13.2q13.3 duplications and suggest RLIM is a candidate dosage-sensitive gene for the phenotype of intellectual disability and facial dysmorphism in male patients. All tested carrier mothers had normal intelligence. In particular, six families of Palmer's study carried smaller or similar duplications at this locus and one of the duplications arose de novo. Moreover, Charzewska et al. reported a smaller duplication containing the whole NEXMIF gene, but not overlapping RLIM, in male familial patients with intellectual disability and autism. The contribution of other flanking genes within the current gain interval, such as NEXMIF, thus could not be ruled out. Furthermore, haploinsufficiency of SLC16A2 and NEXMIF has been associated with X-linked Allan-Herndon-Dudley syndrome (OMIM 300523) and intellectual disability-98 (MRX98; OMIM 300912), respectively. Other genes associated with X-linked OMIM phenotype are RLIM (OMIM 300978) and ABCB7 (OMIM 301310 ). Thus, based on literature review and gene content, this copy number gain is interpreted as likely pathogenic.

GRCh37/hg19 Xq13.2-13.3(chrX:73321053-74511346)x2

Genes: ABCB7 (ATP binding cassette subfamily B member 7; minus strand), FTX (FTX transcript, XIST regulator; minus strand), NEXMIF (neurite extension and migration factor; minus strand), RLIM (ring finger protein, LIM domain interacting; minus strand), SLC16A2 (solute carrier family 16 member 2; plus strand) and 2 more. Cytogenetic location: Xq13.2-13.3.
Variant type: copy number gain.
Change: copy number 2 of chrX:73,321,053-74,511,346 (1.19 Mb, GRCh37 coordinates, 1-based), cytogenetic band Xq13.2-13.3.
Identifiers: ClinVar variation 1340281 (VCV001340281.1).